The following is an entry in ClinVar:

NM_000245.4(MET):c.1898A>T (p.His633Leu)

Gene: MET (MET proto-oncogene, receptor tyrosine kinase; plus strand). Cytogenetic location: 7q31.2.
Variant type: single nucleotide variant.
Coding change: c.1898A>T on transcript NM_000245.4 (MANE Select); coding-DNA position 1898, A replaced by T.
Protein change: p.His633Leu; replaces histidine 633 with leucine.
Molecular consequence: missense variant.
Genome position (GRCh38, 1-based): chr7:116,757,472, A>T. VCF-style: chr7-116757472-A-T. GRCh37 (hg19) VCF-style: chr7-116397526-A-T.
Other names: c.1898A>T, p.His633Leu (NM_001127500.3, NM_001324401.3); c.608A>T, p.His203Leu (NM_001324402.2); c.1898A>T (NM_001127500.2); short protein forms H633L, H203L.
Identifiers: ClinVar variation 246628 (VCV000246628.13), dbSNP rs45586239, ClinGen allele CA4448318.
Genomic context (GRCh38, chr7:116,757,472, plus strand): 5'-ATTAAACTTTGGGTTTTTTTTCCAGATTGAAATGCACAGTTGGTCCTGCCATGAATAAGC[A>T]TTTCAATATGTCCATAATTATTTCAAATGGCCACGGGACAACACAATACAGTACATTCTC-3'
Protein context (NP_000236.2, residues 623-643): KCTVGPAMNK[His633Leu]FNMSIIISNG

ClinVar aggregate classification (germline): Conflicting classifications of pathogenicity. Review status: criteria provided, conflicting classifications (1 of 4 stars). 4 submissions from 4 submitters: Uncertain significance (2); Benign (2). Last evaluated 2025-11-11.

Conditions:
Renal cell carcinoma. Identifiers: Orphanet 217071, MedGen C0007134, MeSH D002292, MONDO:0005086, HP:0005584.
Autosomal recessive nonsyndromic hearing loss 97. Also called: Deafness, autosomal recessive 97. Identifiers: Orphanet 90636, MedGen C4084709, MONDO:0014739, OMIM 616705.
Hereditary cancer-predisposing syndrome. Also called: Hereditary neoplastic syndrome; Neoplastic Syndromes, Hereditary; Tumor predisposition; Hereditary Cancer Syndrome. Identifiers: Orphanet 140162, MedGen C0027672, MeSH D009386, MONDO:0015356.
Ovarian cancer. Also called: OVARIAN CANCER, SOMATIC. Identifiers: Orphanet 213500, MedGen C1140680, MONDO:0008170, OMIM 167000.

Allele frequency attached by ClinVar (database versions not stated): TOPMed 0.00002; 1000 Genomes Project 30x 0.00016; 1000 Genomes Project 0.00020.
gnomAD v4.1: 7 of 1,613,748 alleles (0.00043%); highest among the groups gnomAD compares: East Asian, 0.013%; no homozygotes.

Submissions (4):

Labcorp Genetics (formerly Invitae), Labcorp
Classification: Uncertain significance for Renal cell carcinoma. Last evaluated: 2025-11-11. Review status: criteria provided, single submitter. Criteria: Invitae Variant Classification Sherloc (09022015). Collection method: clinical testing. Allele origin: germline.
Comment: This sequence change replaces histidine, which is basic and polar, with leucine, which is neutral and non-polar, at codon 633 of the MET protein (p.His633Leu). This variant is present in population databases (rs45586239, gnomAD 0.03%). This variant has not been reported in the literature in individuals affected with MET-related conditions. ClinVar contains an entry for this variant (Variation ID: 246628). An algorithm developed to predict the effect of missense changes on protein structure and function (PolyPhen-2) suggests that this variant is likely to be tolerated. In summary, the available evidence is currently insufficient to determine the role of this variant in disease. Therefore, it has been classified as a Variant of Uncertain Significance.

Ambry Genetics
Classification: Benign for Hereditary cancer-predisposing syndrome. Last evaluated: 2024-06-24. Review status: criteria provided, single submitter. Criteria: Ambry Variant Classification Scheme 2023. Collection method: clinical testing. Allele origin: germline.

Baylor Genetics
Classification: Uncertain significance for Autosomal recessive nonsyndromic hearing loss 97. Last evaluated: 2023-09-13. Review status: criteria provided, single submitter. Criteria: ACMG Guidelines, 2015. Collection method: clinical testing. Allele origin: unknown.

Laboratory of Molecular Epidemiology of Birth Defects, West China Second University Hospital, Sichuan University
Classification: Benign for Ovarian cancer. Last evaluated: 2022-01-01. Review status: criteria provided, single submitter. Criteria: ACMG Guidelines, 2015. Collection method: clinical testing. Allele origin: germline. Affected: yes.